The following is an entry in ClinVar:

NM_004329.3(BMPR1A):c.776C>T (p.Ala259Val)

Gene: BMPR1A (bone morphogenetic protein receptor type 1A; plus strand). Cytogenetic location: 10q23.2.
Variant type: single nucleotide variant.
Coding change: c.776C>T on transcript NM_004329.3 (MANE Select); coding-DNA position 776, C replaced by T.
Protein change: p.Ala259Val; replaces alanine 259 with valine.
Molecular consequence: missense variant.
Genome position (GRCh38, 1-based): chr10:86,917,234, C>T. VCF-style: chr10-86917234-C-T. GRCh37 (hg19) VCF-style: chr10-88676991-C-T.
Other names: short protein forms A259V.
Identifiers: ClinVar variation 486816 (VCV000486816.20), dbSNP rs905457708, ClinGen allele CA211207043.

ClinVar aggregate classification (germline): Uncertain significance. Review status: criteria provided, multiple submitters, no conflicts (2 of 4 stars). 4 submissions from 4 submitters: Uncertain significance (4). Last evaluated 2026-04-16.

Conditions:
Juvenile polyposis syndrome (JPS). Identifiers: Orphanet 2929, MedGen C0345893, MONDO:0017380, OMIM 174900.
Hereditary cancer-predisposing syndrome. Also called: Tumor predisposition; Hereditary neoplastic syndrome; Neoplastic Syndromes, Hereditary; Hereditary Cancer Syndrome. Identifiers: Orphanet 140162, MedGen C0027672, MeSH D009386, MONDO:0015356.

Allele frequency attached by ClinVar (database versions not stated): gnomAD exomes below 0.00001; TOPMed below 0.00001.
gnomAD v4.1: 3 of 1,613,706 alleles (0.00019%); highest among the groups gnomAD compares: South Asian, 0.0011%; no homozygotes.

Submissions (4):

Ambry Genetics
Classification: Uncertain significance for Hereditary cancer-predisposing syndrome. Last evaluated: 2026-04-16. Review status: criteria provided, single submitter. Criteria: Ambry Variant Classification Scheme 2023. Collection method: clinical testing. Allele origin: germline.
Comment: The p.A259V variant (also known as c.776C>T), located in coding exon 7 of the BMPR1A gene, results from a C to T substitution at nucleotide position 776. The alanine at codon 259 is replaced by valine, an amino acid with similar properties. This amino acid position is highly conserved in available vertebrate species. In addition, this alteration is predicted to be deleterious by in silico analysis. Based on the available evidence, the clinical significance of this variant remains unclear.

Labcorp Genetics (formerly Invitae), Labcorp
Classification: Uncertain significance for Juvenile polyposis syndrome. Last evaluated: 2025-07-31. Review status: criteria provided, single submitter. Criteria: Invitae Variant Classification Sherloc (09022015). Collection method: clinical testing. Allele origin: germline.
Comment: This sequence change replaces alanine, which is neutral and non-polar, with valine, which is neutral and non-polar, at codon 259 of the BMPR1A protein (p.Ala259Val). This variant is present in population databases (no rsID available, gnomAD no frequency). This variant has not been reported in the literature in individuals affected with BMPR1A-related conditions. ClinVar contains an entry for this variant (Variation ID: 486816). Invitae Evidence Modeling of protein sequence and biophysical properties (such as structural, functional, and spatial information, amino acid conservation, physicochemical variation, residue mobility, and thermodynamic stability) indicates that this missense variant is not expected to disrupt BMPR1A protein function with a negative predictive value of 80%. In summary, the available evidence is currently insufficient to determine the role of this variant in disease. Therefore, it has been classified as a Variant of Uncertain Significance.

Color Diagnostics, LLC DBA Color Health
Classification: Uncertain significance for Hereditary cancer-predisposing syndrome. Last evaluated: 2022-05-19. Review status: criteria provided, single submitter. Criteria: ACMG Guidelines, 2015. Collection method: clinical testing. Allele origin: germline.
Comment: This missense variant replaces alanine with valine at codon 259 of the BMPR1A protein. Computational prediction suggests that this variant may have deleterious impact on protein structure and function (internally defined REVEL score threshold >= 0.7, PMID: 27666373). To our knowledge, functional studies have not been reported for this variant. This variant has not been reported in individuals affected with hereditary cancer in the literature. This variant has been identified in 1/249678 chromosomes in the general population by the Genome Aggregation Database (gnomAD). The available evidence is insufficient to determine the role of this variant in disease conclusively. Therefore, this variant is classified as a Variant of Uncertain Significance.

Women's Health and Genetics/Laboratory Corporation of America, LabCorp
Classification: Uncertain significance. Last evaluated: 2016-05-03. Review status: criteria provided, single submitter. Criteria: LabCorp Variant Classification Summary - May 2015. Collection method: clinical testing. Allele origin: germline.
Comment: Variant summary: The c.776C>T variant affects a conserved nucleotide, resulting in amino acid change from Ala to Val. 5/5 in-silico tools predict damaging outcome for this variant. This variant is not found in 120202 control chromosomes. The variant of interest has not, to our knowledge, been reported in affected individuals via publications and/or reputable databases/clinical laboratories; nor evaluated for functional impact by in vivo/vitro studies. Because of the absence of clinical information and the lack of functional studies, the variant was classified as a variant of uncertain significance (VUS) until additional information becomes available.